The following is an entry in ClinVar:

ClinVar aggregate classification (germline): Benign (0 of 4 stars; one submission).

Conditions:
DISP3-related disorder. Also called: DISP3-related condition.

Allele frequency attached by ClinVar (database versions not stated): gnomAD exomes 0.08340; ExAC 0.11200; ESP Exome Variant Server 0.15128; TOPMed 0.15311; gnomAD 0.15487; 1000 Genomes Project 30x 0.18223; 1000 Genomes Project 0.18271.
gnomAD v4.1: 146,303 of 1,613,808 alleles (9.1%); highest among the groups gnomAD compares: African/African-American, 35%; 10,523 homozygotes.

Submission:

PreventionGenetics, part of Exact Sciences
Classification: Benign for DISP3-related condition. Last evaluated: 2019-10-30. Review status: no assertion criteria provided. Collection method: clinical testing. Allele origin: germline.
Comment: This variant is classified as benign based on ACMG/AMP sequence variant interpretation guidelines (Richards et al. 2015 PMID: 25741868, with internal and published modifications).

NM_020780.2(DISP3):c.115G>A (p.Gly39Arg)

Gene: DISP3 (dispatched RND transporter family member 3; plus strand). Cytogenetic location: 1p36.22.
Variant type: single nucleotide variant.
Coding change: c.115G>A on transcript NM_020780.2 (MANE Select); coding-DNA position 115, G replaced by A.
Protein change: p.Gly39Arg; replaces glycine 39 with arginine.
Molecular consequence: missense variant.
Genome position (GRCh38, 1-based): chr1:11,501,107, G>A. VCF-style: chr1-11501107-G-A. GRCh37 (hg19) VCF-style: chr1-11561164-G-A.
Other names: short protein forms G39R.
Identifiers: ClinVar variation 3060426 (VCV003060426.2), dbSNP rs41274528, ClinGen allele CA591334.